The following is an entry in ClinVar:

ClinVar aggregate classification (germline): Pathogenic. Review status: criteria provided, multiple submitters, no conflicts (2 of 4 stars). 2 submissions from 2 submitters: Pathogenic (2). Last evaluated 2024-01-01.

Conditions:
Wilson disease (WND). Also called: Wilson's disease. Identifiers: Orphanet 905, MedGen C0019202, MONDO:0010200, OMIM 277900. Disease mechanism: loss of function.
ATP7B-related disorder. Also called: ATP7B-related condition.

Submissions (2):

Chongqing Key Laboratory of Child Rare Diseases in Infection and Immunity, Children’s Hospital of Chongqing Medical University
Classification: Pathogenic for Wilson disease. Last evaluated: 2024-01-01. Review status: criteria provided, single submitter. Criteria: ACMG Guidelines, 2015. Collection method: clinical testing. Allele origin: germline. Inheritance: Autosomal recessive inheritance. Affected: yes.
Comment: Classified as Pathogenic according to the ACMG/AMP 2015 guidelines (PMID:25741868). The classification was based on the available submitted evidence for Wilson disease (OMIM:277900), including clinical-testing observations, variant consequence/protein annotation, and published or ClinVar evidence where available. Supporting information considered: variant annotation: p.Tyr713Ter; Nonsense; Protein domain: TM-associated / cytosolic loop; submitted notation: NM_000053.4:c.2139C>G (p.Tyr713Ter); source variant type: Nonsense; source domain: TM-associated / cytosolic loop; allele count n=230: 2.

PreventionGenetics, part of Exact Sciences
Classification: Pathogenic for ATP7B-related condition. Last evaluated: 2022-08-30. Review status: criteria provided, single submitter. Criteria: ACMG Guidelines, 2015. Collection method: clinical testing. Allele origin: germline.
Comment: The ATP7B c.2139C>G variant is predicted to result in premature protein termination (p.Tyr713*). This variant has been reported in the heterozygous state with a known pathogenic ATP7B variant (c.2755C>G, p.Arg919Gly) in a patient with early childhood onset Wilson Disease (Zhou et al. 2022. PubMed ID: 35222532). It has not been reported in a large population database, indicating this variant is rare. Nonsense variants in ATP7B are expected to be pathogenic. Based on the available evidence, this variant is interpreted as pathogenic.

NM_000053.4(ATP7B):c.2139C>G (p.Tyr713Ter)

Gene: ATP7B (ATPase copper transporting beta; minus strand). Cytogenetic location: 13q14.3.
Variant type: single nucleotide variant.
Coding change: c.2139C>G on transcript NM_000053.4 (MANE Select); coding-DNA position 2139, C replaced by G.
Protein change: p.Tyr713Ter; replaces tyrosine 713 with a stop codon.
Molecular consequence: nonsense. On other transcripts: intron variant (20).
Genome position (GRCh38, 1-based): chr13:51,958,527, G>C on the plus strand (C>G on the coding strand, the complement: ATP7B is on the minus strand). VCF-style: chr13-51958527-G-C. GRCh37 (hg19) VCF-style: chr13-52532663-G-C.
Other names: c.1806C>G, p.Tyr602Ter (NM_001243182.2); c.1887C>G, p.Tyr629Ter (NM_001330579.2, NM_001406531.1, NM_001406532.1 and 1 more transcripts); c.2139C>G, p.Tyr713Ter (NM_001406511.1, NM_001406512.1, NM_001406513.1 and 7 more transcripts); c.2106C>G, p.Tyr702Ter (NM_001406514.1); c.2043C>G, p.Tyr681Ter (NM_001406517.1, NM_001406518.1); c.1710C>G, p.Tyr570Ter (NM_001406539.1); c.1791C>G, p.Tyr597Ter (NM_001406543.1); c.1870-920C>G (NM_001406541.1, NM_001005918.3, NM_001406546.1 and 1 more transcripts); and 8 more; short protein forms Y570*, Y597*, Y602*, Y629*, Y681*, Y702*, Y713*.
Identifiers: ClinVar variation 2636238 (VCV002636238.2), dbSNP rs2547716462, ClinGen allele CA388023374.
Genomic context (GRCh38, chr13:51,958,527, plus strand): 5'-GATGAGCACGTCCATGTTGGCTGACCTGTGTCTCAGAGATTTGTAGGCCTGAACGTAGAA[G>C]TACCACCCACCGAGGAGCTGAAAGACAAGGACAGTGAAGGCTGCCAGCAAGTAGGGAGGA-3'